The following is an entry in ClinVar:

NM_016239.4(MYO15A):c.5081T>C (p.Met1694Thr)

Gene: MYO15A (myosin XVA; plus strand). Cytogenetic location: 17p11.2.
Variant type: single nucleotide variant.
Coding change: c.5081T>C on transcript NM_016239.4 (MANE Select); coding-DNA position 5081, T replaced by C.
Protein change: p.Met1694Thr; replaces methionine 1694 with threonine.
Molecular consequence: missense variant.
Genome position (GRCh38, 1-based): chr17:18,138,884, T>C. VCF-style: chr17-18138884-T-C. GRCh37 (hg19) VCF-style: chr17-18042198-T-C.
Other names: c.5081T>C (NM_016239.3); short protein forms M1694T.
Identifiers: ClinVar variation 2122153 (VCV002122153.2), dbSNP rs1475620409, ClinGen allele CA398598393.

ClinVar aggregate classification (germline): Uncertain significance. Review status: criteria provided, multiple submitters, no conflicts (2 of 4 stars). 2 submissions from 2 submitters: Uncertain significance (2). Last evaluated 2025-02-13.

Allele frequency attached by ClinVar (database versions not stated): TOPMed below 0.00001.

Submissions (2):

GeneDx
Classification: Uncertain significance. Last evaluated: 2025-02-13. Review status: criteria provided, single submitter. Criteria: GeneDx Variant Classification Process June 2021. Collection method: clinical testing. Allele origin: germline. Affected: yes.
Comment: Not observed at significant frequency in large population cohorts (gnomAD); In silico analysis supports that this missense variant has a deleterious effect on protein structure/function; Has not been previously published as pathogenic or benign to our knowledge

Labcorp Genetics (formerly Invitae), Labcorp
Classification: Uncertain significance. Last evaluated: 2022-04-07. Review status: criteria provided, single submitter. Criteria: Invitae Variant Classification Sherloc (09022015). Collection method: clinical testing. Allele origin: germline.
Comment: This sequence change replaces methionine, which is neutral and non-polar, with threonine, which is neutral and polar, at codon 1694 of the MYO15A protein (p.Met1694Thr). This variant is not present in population databases (gnomAD no frequency). This variant has not been reported in the literature in individuals affected with MYO15A-related conditions. Advanced modeling of protein sequence and biophysical properties (such as structural, functional, and spatial information, amino acid conservation, physicochemical variation, residue mobility, and thermodynamic stability) performed at Invitae indicates that this missense variant is not expected to disrupt MYO15A protein function. In summary, the available evidence is currently insufficient to determine the role of this variant in disease. Therefore, it has been classified as a Variant of Uncertain Significance.